The following is an entry in ClinVar:

ClinVar aggregate classification (germline): Uncertain significance. Review status: criteria provided, multiple submitters, no conflicts (2 of 4 stars). 2 submissions from 2 submitters: Uncertain significance (2). Last evaluated 2025-12-23.

Allele frequency attached by ClinVar (database versions not stated): gnomAD exomes 0.00001; ExAC 0.00004; TOPMed 0.00014; gnomAD 0.00017; 1000 Genomes Project 30x 0.00016; ESP Exome Variant Server 0.00031; 1000 Genomes Project 0.00020.
gnomAD v4.1: 46 of 1,614,126 alleles (0.0028%); highest among the groups gnomAD compares: African/African-American, 0.059%; no homozygotes.

Submissions (2):

Labcorp Genetics (formerly Invitae), Labcorp
Classification: Uncertain significance. Last evaluated: 2025-12-23. Review status: criteria provided, single submitter. Criteria: Invitae Variant Classification Sherloc (09022015). Collection method: clinical testing. Allele origin: germline.
Comment: This sequence change replaces threonine, which is neutral and polar, with isoleucine, which is neutral and non-polar, at codon 551 of the ACOX2 protein (p.Thr551Ile). This variant is present in population databases (rs147528626, gnomAD 0.06%), and has an allele count higher than expected for a pathogenic variant. This variant has not been reported in the literature in individuals affected with ACOX2-related conditions. ClinVar contains an entry for this variant (Variation ID: 2719021). Invitae Evidence Modeling of protein sequence and biophysical properties (such as structural, functional, and spatial information, amino acid conservation, physicochemical variation, residue mobility, and thermodynamic stability) indicates that this missense variant is not expected to disrupt ACOX2 protein function with a negative predictive value of 80%. In summary, the available evidence is currently insufficient to determine the role of this variant in disease. Therefore, it has been classified as a Variant of Uncertain Significance.

Ambry Genetics
Classification: Uncertain significance. Last evaluated: 2025-07-31. Review status: criteria provided, single submitter. Criteria: Ambry Variant Classification Scheme 2023. Collection method: clinical testing. Allele origin: germline.

NM_003500.4(ACOX2):c.1652C>T (p.Thr551Ile)

Gene: ACOX2 (acyl-CoA oxidase 2; minus strand). Cytogenetic location: 3p14.3.
Variant type: single nucleotide variant.
Coding change: c.1652C>T on transcript NM_003500.4 (MANE Select); coding-DNA position 1652, C replaced by T.
Protein change: p.Thr551Ile; replaces threonine 551 with isoleucine.
Molecular consequence: missense variant.
Genome position (GRCh38, 1-based): chr3:58,517,404, G>A on the plus strand (C>T on the coding strand, the complement: ACOX2 is on the minus strand). VCF-style: chr3-58517404-G-A. GRCh37 (hg19) VCF-style: chr3-58503131-G-A.
Other names: c.1652C>T (NM_003500.3); short protein forms T551I.
Identifiers: ClinVar variation 2719021 (VCV002719021.4), dbSNP rs147528626, ClinGen allele CA2471982.
Genomic context (GRCh38, chr3:58,517,404, plus strand): 5'-ACCTGCTGAATCGCTGGTTCATTTTCTAGTTTCTCCAGAGCTTCTGTAAAACCCTTCACA[G>A]TGACATAGTAGCAGTGCACCTACAAAGACACAAAGATATGTTCTCCTGATTTCTGGTTTT-3'
Protein context (NP_003491.1, residues 541-561): QAAKVHCYYV[Thr551Ile]VKGFTEALEK